The following is an entry in ClinVar:

ClinVar aggregate classification (germline): Pathogenic (1 of 4 stars; one submission).

Conditions:
Bloom syndrome (BLM). Also called: Bloom-Torre-Machacek syndrome. Identifiers: Orphanet 125, MedGen C0005859, MONDO:0008876, OMIM 210900.

Submission:

Myriad Genetics, Inc.
Classification: Pathogenic for Bloom syndrome. Last evaluated: 2026-07-28. Review status: criteria provided, single submitter. Criteria: Myriad Autosomal Dominant, Autosomal Recessive and X-Linked Classification Criteria (2023). Collection method: clinical testing. Allele origin: unknown.
Comment: NM_000057.3(BLM):c.710_711delGCinsAA(C237*) is a nonsense variant classified as pathogenic in the context of Bloom syndrome. C237* has not been observed in cases with relevant disease. Relevant functional assessments of this variant are not available in the literature. C237* has not been observed in referenced population frequency databases. In summary, NM_000057.3(BLM):c.710_711delGCinsAA(C237*) is a nonsense variant in a gene where loss of function is a known mechanism of disease and is predicted to disrupt protein function. Please note: this variant was assessed in the context of healthy population screening.

NM_000057.4(BLM):c.710_711delinsAA (p.Cys237Ter)

Gene: BLM (BLM RecQ like helicase; plus strand). Cytogenetic location: 15q26.1.
Variant type: Indel.
Coding change: c.710_711delinsAA on transcript NM_000057.4 (MANE Select); coding-DNA positions 710 to 711, GC replaced by AA.
Protein change: p.Cys237Ter; replaces cysteine 237 with a stop codon.
Molecular consequence: nonsense. On other transcripts: 5 prime UTR variant (1).
Genome position (GRCh38, 1-based): chr15:90,749,978-90,749,979, GC replaced by AA. VCF-style: chr15-90749978-GC-AA. GRCh37 (hg19) VCF-style: chr15-91293208-GC-AA.
Other names: c.710_711delinsAA, p.Cys237Ter (NM_001287246.2, NM_001287247.2); c.-582_-581delinsAA (NM_001287248.2); short protein forms C237*.
Identifiers: ClinVar variation 5004818 (VCV005004818.1).